The following is an entry in ClinVar:

ClinVar aggregate classification (germline): Uncertain significance (1 of 4 stars; one submission).

gnomAD v4.1: 1 of 1,614,108 alleles (0.000062%); highest among the groups gnomAD compares: South Asian, 0.0011%; no homozygotes.

Submission:

Ambry Genetics
Classification: Uncertain significance. Last evaluated: 2023-12-14. Review status: criteria provided, single submitter. Criteria: Ambry Variant Classification Scheme 2023. Collection method: clinical testing. Allele origin: germline.
Comment: The p.D120E variant (also known as c.360C>G), located in coding exon 3 of the ALPK2 gene, results from a C to G substitution at nucleotide position 360. The aspartic acid at codon 120 is replaced by glutamic acid, an amino acid with highly similar properties. This amino acid position is conserved. In addition, this alteration is predicted to be tolerated by in silico analysis. Since supporting evidence is limited at this time, the clinical significance of this alteration remains unclear.

NM_052947.4(ALPK2):c.360C>G (p.Asp120Glu)

Gene: ALPK2 (alpha kinase 2; minus strand). Cytogenetic location: 18q21.31.
Variant type: single nucleotide variant.
Coding change: c.360C>G on transcript NM_052947.4 (MANE Select); coding-DNA position 360, C replaced by G.
Protein change: p.Asp120Glu; replaces aspartic acid 120 with glutamic acid.
Molecular consequence: missense variant.
Genome position (GRCh38, 1-based): chr18:58,580,416, G>C on the plus strand (C>G on the coding strand, the complement: ALPK2 is on the minus strand). VCF-style: chr18-58580416-G-C. GRCh37 (hg19) VCF-style: chr18-56247648-G-C.
Other names: short protein forms D120E.
Identifiers: ClinVar variation 1733194 (VCV001733194.2), dbSNP rs1192147914, ClinGen allele CA402568151.